The following is an entry in ClinVar:

ClinVar aggregate classification (germline): Uncertain significance (1 of 4 stars; one submission).

Conditions:
Oto-palato-digital syndrome, type II (OPD2). Also called: FACIOPALATOOSSEOUS SYNDROME; OPD II SYNDROME; Otopalatodigital Syndrome, Type II; Otopalatodigital Syndrome Type 2 (FLNA-OPD2). Identifiers: Orphanet 669, Orphanet 90652, MedGen C1844696, MONDO:0010571, OMIM 304120.
Heterotopia, periventricular, X-linked dominant (PVNH1). Also called: PERIVENTRICULAR NODULAR HETEROTOPIA 1; X-linked periventricular heterotopia; PERIVENTRICULAR NODULAR HETEROTOPIA 4; HETEROTOPIA, PERIVENTRICULAR, 1. Identifiers: Orphanet 2149, Orphanet 82004, MedGen C1848213, MONDO:0010233, OMIM 300049.
Frontometaphyseal dysplasia (FMD1). Identifiers: Orphanet 1826, MedGen C0265293, MONDO:0015942.
Melnick-Needles syndrome (MNS). Also called: MELNICK-NEEDLES OSTEODYSPLASTY; OSTEODYSPLASTY OF MELNICK AND NEEDLES; Melnick-Needles Syndrome (FLNA-MNS). Identifiers: Orphanet 2484, MedGen C0025237, MONDO:0010650, OMIM 309350.

Submission:

Labcorp Genetics (formerly Invitae), Labcorp
Classification: Uncertain significance for Oto-palato-digital syndrome, type II; Heterotopia, periventricular, X-linked dominant; Frontometaphyseal dysplasia; Melnick-Needles syndrome. Last evaluated: 2023-06-11. Review status: criteria provided, single submitter. Criteria: Invitae Variant Classification Sherloc (09022015). Collection method: clinical testing. Allele origin: germline.
Comment: This sequence change replaces alanine, which is neutral and non-polar, with threonine, which is neutral and polar, at codon 2449 of the FLNA protein (p.Ala2449Thr). This variant is not present in population databases (gnomAD no frequency). This variant has not been reported in the literature in individuals affected with FLNA-related conditions. Advanced modeling of protein sequence and biophysical properties (such as structural, functional, and spatial information, amino acid conservation, physicochemical variation, residue mobility, and thermodynamic stability) performed at Invitae indicates that this missense variant is not expected to disrupt FLNA protein function. In summary, the available evidence is currently insufficient to determine the role of this variant in disease. Therefore, it has been classified as a Variant of Uncertain Significance.

NM_001110556.2(FLNA):c.7369G>A (p.Ala2457Thr)

Gene: FLNA (filamin A; minus strand). Cytogenetic location: Xq28.
Variant type: single nucleotide variant.
Coding change: c.7369G>A on transcript NM_001110556.2 (MANE Select); coding-DNA position 7369, G replaced by A.
Protein change: p.Ala2457Thr; replaces alanine 2457 with threonine.
Molecular consequence: missense variant.
Genome position (GRCh38, 1-based): chrX:154,349,832, C>T on the plus strand (G>A on the coding strand, the complement: FLNA is on the minus strand). VCF-style: chrX-154349832-C-T. GRCh37 (hg19) VCF-style: chrX-153578200-C-T.
Other names: c.7345G>A, p.Ala2449Thr (NM_001456.4); short protein forms A2449T, A2457T.
Identifiers: ClinVar variation 2948767 (VCV002948767.3), dbSNP rs2522714044, ClinGen allele CA415182954.